The following is an entry in ClinVar:

ClinVar aggregate classification (germline): Uncertain significance (1 of 4 stars; one submission).

Conditions:
Primary dilated cardiomyopathy (DCM). Also called: Dilated Cardiomyopathy. Identifiers: Orphanet 217604, MedGen C0007193, MeSH D002311, MONDO:0005021, HP:0001644. Inheritance: Various modes of inheritance.

Submission:

Labcorp Genetics (formerly Invitae), Labcorp
Classification: Uncertain significance for Primary dilated cardiomyopathy. Last evaluated: 2022-03-08. Review status: criteria provided, single submitter. Criteria: Invitae Variant Classification Sherloc (09022015). Collection method: clinical testing. Allele origin: germline.
Comment: Algorithms developed to predict the effect of sequence changes on RNA splicing suggest that this variant may create or strengthen a splice site. In summary, the available evidence is currently insufficient to determine the role of this variant in disease. Therefore, it has been classified as a Variant of Uncertain Significance. Algorithms developed to predict the effect of missense changes on protein structure and function are either unavailable or do not agree on the potential impact of this missense change (SIFT: "Deleterious"; PolyPhen-2: "Benign"; Align-GVGD: "Class C0"). This variant has not been reported in the literature in individuals affected with NEBL-related conditions. This variant is not present in population databases (gnomAD no frequency). This sequence change replaces valine, which is neutral and non-polar, with isoleucine, which is neutral and non-polar, at codon 816 of the NEBL protein (p.Val816Ile).

NM_006393.3(NEBL):c.2446G>A (p.Val816Ile)

Gene: NEBL (nebulette; minus strand). Cytogenetic location: 10p12.31.
Variant type: single nucleotide variant.
Coding change: c.2446G>A on transcript NM_006393.3 (MANE Select); coding-DNA position 2446, G replaced by A.
Protein change: p.Val816Ile; replaces valine 816 with isoleucine.
Molecular consequence: missense variant.
Genome position (GRCh38, 1-based): chr10:20,812,841, C>T on the plus strand (G>A on the coding strand, the complement: NEBL is on the minus strand). VCF-style: chr10-20812841-C-T. GRCh37 (hg19) VCF-style: chr10-21101770-C-T.
Other names: c.457G>A, p.Val153Ile (NM_001173484.2, NM_001377322.1, NM_213569.2); c.409G>A, p.Val137Ile (NM_001377323.1); c.400G>A, p.Val134Ile (NM_001377324.1); c.391G>A, p.Val131Ile (NM_001377325.1); c.349G>A, p.Val117Ile (NM_001377326.1, NM_001377327.1, NM_001377328.1); short protein forms V137I, V117I, V134I, V131I, V153I, V816I.
Identifiers: ClinVar variation 1414171 (VCV001414171.8), dbSNP rs2130787684, ClinGen allele CA376093328.